The following is an entry in ClinVar:

NM_001113378.2(FANCI):c.1583+3A>G

Gene: FANCI (FA complementation group I; plus strand). Cytogenetic location: 15q26.1.
Variant type: single nucleotide variant.
Coding change: c.1583+3A>G on transcript NM_001113378.2 (MANE Select); 3 bases into the intron after coding-DNA position 1583, A replaced by G.
Molecular consequence: intron variant.
Genome position (GRCh38, 1-based): chr15:89,281,838, A>G. VCF-style: chr15-89281838-A-G. GRCh37 (hg19) VCF-style: chr15-89825069-A-G.
Other names: c.1583+3A>G (NM_018193.3, NM_001376911.1); c.1304+3A>G (NM_001376910.1).
Identifiers: ClinVar variation 1480958 (VCV001480958.3), dbSNP rs2151559047, ClinGen allele CA2573151353.

ClinVar aggregate classification (germline): Uncertain significance (1 of 4 stars; one submission).

Conditions:
Fanconi anemia (FA). Also called: Fanconi's anemia. Identifiers: Orphanet 84, MedGen C0015625, MeSH D005199, MONDO:0019391.

Submission:

Labcorp Genetics (formerly Invitae), Labcorp
Classification: Uncertain significance for Fanconi anemia. Last evaluated: 2021-02-15. Review status: criteria provided, single submitter. Criteria: Invitae Variant Classification Sherloc (09022015). Collection method: clinical testing. Allele origin: germline.
Comment: This sequence change falls in intron 16 of the FANCI gene. It does not directly change the encoded amino acid sequence of the FANCI protein. It affects a nucleotide within the consensus splice site of the intron. This variant is not present in population databases (ExAC no frequency). This variant has not been reported in the literature in individuals with FANCI-related conditions. Nucleotide substitutions within the consensus splice site are a relatively common cause of aberrant splicing (PMID: 17576681, 9536098). Algorithms developed to predict the effect of sequence changes on RNA splicing suggest that this variant may disrupt the consensus splice site, but this prediction has not been confirmed by published transcriptional studies. In summary, the available evidence is currently insufficient to determine the role of this variant in disease. Therefore, it has been classified as a Variant of Uncertain Significance.

Literature cited by the submitters: PubMed 17576681; PubMed 9536098.